The following is an entry in ClinVar:

ClinVar aggregate classification (germline): Uncertain significance. Review status: criteria provided, multiple submitters, no conflicts (2 of 4 stars). 3 submissions from 3 submitters: Uncertain significance (3). Last evaluated 2026-05-18.

Conditions:
Hereditary cancer-predisposing syndrome. Also called: Neoplastic Syndromes, Hereditary; Tumor predisposition; Hereditary Cancer Syndrome; Hereditary neoplastic syndrome. Identifiers: Orphanet 140162, MedGen C0027672, MeSH D009386, MONDO:0015356.

Allele frequency attached by ClinVar (database versions not stated): gnomAD exomes below 0.00001; gnomAD 0.00001.

Submissions (3):

Women's Health and Genetics/Laboratory Corporation of America, LabCorp
Classification: Uncertain significance. Last evaluated: 2026-05-18. Review status: criteria provided, single submitter. Criteria: LabCorp Variant Classification Summary - May 2015. Collection method: clinical testing. Allele origin: germline.

Ambry Genetics
Classification: Uncertain significance for Hereditary cancer-predisposing syndrome. Last evaluated: 2025-03-30. Review status: criteria provided, single submitter. Criteria: Ambry Variant Classification Scheme 2023. Collection method: clinical testing. Allele origin: germline.
Comment: The p.H360R variant (also known as c.1079A>G), located in coding exon 8 of the RAD50 gene, results from an A to G substitution at nucleotide position 1079. The histidine at codon 360 is replaced by arginine, an amino acid with highly similar properties. This amino acid position is well conserved in available vertebrate species. In addition, this alteration is predicted to be tolerated by in silico analysis. Since supporting evidence is limited at this time, the clinical significance of this alteration remains unclear.

Labcorp Genetics (formerly Invitae), Labcorp
Classification: Uncertain significance for Hereditary cancer-predisposing syndrome. Last evaluated: 2024-05-13. Review status: criteria provided, single submitter. Criteria: Invitae Variant Classification Sherloc (09022015). Collection method: clinical testing. Allele origin: germline.
Comment: This sequence change replaces histidine, which is basic and polar, with arginine, which is basic and polar, at codon 360 of the RAD50 protein (p.His360Arg). This variant is present in population databases (no rsID available, gnomAD 0.1%). This variant has not been reported in the literature in individuals affected with RAD50-related conditions. ClinVar contains an entry for this variant (Variation ID: 231878). Advanced modeling of protein sequence and biophysical properties (such as structural, functional, and spatial information, amino acid conservation, physicochemical variation, residue mobility, and thermodynamic stability) has been performed at Invitae for this missense variant, however the output from this modeling did not meet the statistical confidence thresholds required to predict the impact of this variant on RAD50 protein function. In summary, the available evidence is currently insufficient to determine the role of this variant in disease. Therefore, it has been classified as a Variant of Uncertain Significance.

NM_005732.4(RAD50):c.1079A>G (p.His360Arg)

Gene: RAD50 (RAD50 double strand break repair protein; plus strand). Cytogenetic location: 5q31.1.
Variant type: single nucleotide variant.
Coding change: c.1079A>G on transcript NM_005732.4 (MANE Select); coding-DNA position 1079, A replaced by G.
Protein change: p.His360Arg; replaces histidine 360 with arginine.
Molecular consequence: missense variant.
Genome position (GRCh38, 1-based): chr5:132,588,714, A>G. VCF-style: chr5-132588714-A-G. GRCh37 (hg19) VCF-style: chr5-131924406-A-G.
Other names: short protein forms H360R.
Identifiers: ClinVar variation 231878 (VCV000231878.16), dbSNP rs876659421, ClinGen allele CA10578512.
Genomic context (GRCh38, chr5:132,588,714, plus strand): 5'-GAAAAAAAAATTATGAGATTTTTTTTTTAAAAGGTCGTCTACAGCTGCAAGCAGATCGCC[A>G]TCAAGAACATATCCGAGCTAGAGATTCATTAATTCAGTCTTTGGCAACACAGCTAGAATT-3'
Protein context (NP_005723.2, residues 350-370): QGRLQLQADR[His360Arg]QEHIRARDSL